The following is an entry in ClinVar:

NM_000092.5(COL4A4):c.945dup (p.Tyr316fs)

Gene: COL4A4 (collagen type IV alpha 4 chain; minus strand). Cytogenetic location: 2q36.3.
Variant type: Duplication.
Coding change: c.945dup on transcript NM_000092.5 (MANE Select); coding-DNA position 945, one base duplicated (C; older notation c.945dupC).
Protein change: p.Tyr316fs; shifts the reading frame from tyrosine 316.
Molecular consequence: frameshift variant.
Genome position (GRCh38, 1-based): chr2:227,101,895, G duplicated on the plus strand (C on the coding strand, the reverse complement: COL4A4 is on the minus strand); the first of 2 consecutive G bases (chr2:227,101,895-227,101,896); duplicating either gives the same sequence. VCF-style (leftmost placement, unchanged base first): chr2-227101894-A-AG. GRCh37 (hg19) VCF-style: chr2-227966610-A-AG.
Other names: short protein forms Y316fs.
Identifiers: ClinVar variation 2864890 (VCV002864890.3), dbSNP rs2475551097, ClinGen allele CA2739278888.
Genomic context (GRCh38, chr2:227,101,894, plus strand): 5'-ATTTATTATCTCTATAATGAGGTACATTTACCTTTAATCCTGGAAAACCTGGAGATCCAT[A>AG]GGAACCAGGATCCCCCTAATAAATTCACAAAAATCAGGATAAACAGAATTAAATCAGAAT-3'

ClinVar aggregate classification (germline): Pathogenic (1 of 4 stars; one submission).

Submission:

Labcorp Genetics (formerly Invitae), Labcorp
Classification: Pathogenic. Last evaluated: 2023-05-16. Review status: criteria provided, single submitter. Criteria: Invitae Variant Classification Sherloc (09022015). Collection method: clinical testing. Allele origin: germline.
Comment: This variant is not present in population databases (gnomAD no frequency). For these reasons, this variant has been classified as Pathogenic. This variant has not been reported in the literature in individuals affected with COL4A4-related conditions. This sequence change creates a premature translational stop signal (p.Tyr316Leufs*114) in the COL4A4 gene. It is expected to result in an absent or disrupted protein product. Loss-of-function variants in COL4A4 are known to be pathogenic (PMID: 21196518, 24854265, 25307543).

Literature cited by the submitters: PubMed 21196518; PubMed 24854265; PubMed 25307543.